The following is an entry in ClinVar:

ClinVar aggregate classification (germline): Likely benign. Review status: criteria provided, multiple submitters, no conflicts (2 of 4 stars). 6 submissions from 6 submitters: Likely benign (6). Last evaluated 2025-12-27.

Conditions:
Catecholaminergic polymorphic ventricular tachycardia (CVPT). Also called: Catecholamine-induced polymorphic ventricular tachycardia. Identifiers: Orphanet 3286, MedGen C5574922, MONDO:0017990.
Catecholaminergic polymorphic ventricular tachycardia 1. Also called: VENTRICULAR TACHYCARDIA, CATECHOLAMINERGIC POLYMORPHIC, 1, WITH OR WITHOUT ATRIAL DYSFUNCTION AND/OR DILATED CARDIOMYOPATHY; VENTRICULAR TACHYCARDIA, STRESS-INDUCED POLYMORPHIC 1; RYR2-Related Catecholaminergic Polymorphic Ventricular Tachycardia. Identifiers: Orphanet 3286, MedGen C1631597, MONDO:0011484, OMIM 604772.
Cardiovascular phenotype. Identifiers: MedGen CN230736.
Cardiomyopathy (CMYO). Also called: Cardiomyopathies. Identifiers: Orphanet 167848, MedGen C0878544, MONDO:0004994, HP:0001638. Inheritance: Various modes of inheritance.

Allele frequency attached by ClinVar (database versions not stated): ExAC 0.00002; gnomAD exomes 0.00002 and 0.00004; TOPMed 0.00002; gnomAD 0.00004; ESP Exome Variant Server 0.00008.
gnomAD v4.1: 70 of 1,611,304 alleles (0.0043%); highest among the groups gnomAD compares: Non-Finnish European, 0.0054%; no homozygotes.

Submissions (6):

Labcorp Genetics (formerly Invitae), Labcorp
Classification: Likely benign for Catecholaminergic polymorphic ventricular tachycardia 1. Last evaluated: 2025-12-27. Review status: criteria provided, single submitter. Criteria: Invitae Variant Classification Sherloc (09022015). Collection method: clinical testing. Allele origin: germline.

Blueprint Genetics
Classification: Likely benign. Last evaluated: 2024-06-28. Review status: criteria provided, single submitter. Criteria: ACMG Guidelines, 2015. Collection method: clinical testing. Allele origin: germline.

All of Us Research Program, National Institutes of Health
Classification: Likely benign for Catecholaminergic polymorphic ventricular tachycardia. Last evaluated: 2023-12-01. Review status: criteria provided, single submitter. Criteria: ACMG Guidelines, 2015. Collection method: clinical testing. Allele origin: germline. Inheritance: Autosomal dominant inheritance. Observed: 11 variant alleles, 11 heterozygotes.
Comment: This study involves interpretation of variants in research participants for the purpose of population health screening. Participant phenotype was not available at the time of variant classification. Additional details can be found in publication PMID: 35346344, PMCID: PMC8962531

Ambry Genetics
Classification: Likely benign for Cardiovascular phenotype. Last evaluated: 2022-05-20. Review status: criteria provided, single submitter. Criteria: Ambry Variant Classification Scheme 2023. Collection method: clinical testing. Allele origin: germline.

Color Diagnostics, LLC DBA Color Health
Classification: Likely benign for Cardiomyopathy. Last evaluated: 2018-12-04. Review status: criteria provided, single submitter. Criteria: ACMG Guidelines, 2015. Collection method: clinical testing. Allele origin: germline.

GeneDx
Classification: Likely benign. Last evaluated: 2018-05-23. Review status: criteria provided, single submitter. Criteria: GeneDx Variant Classification Process June 2021. Collection method: clinical testing. Allele origin: germline. Affected: yes.

NM_001035.3(RYR2):c.13398C>T (p.His4466=)

Gene: RYR2 (ryanodine receptor 2; plus strand). Cytogenetic location: 1q43.
Variant type: single nucleotide variant.
Coding change: c.13398C>T on transcript NM_001035.3 (MANE Select); coding-DNA position 13398, C replaced by T.
Protein change: p.His4466=; no amino-acid change (histidine 4466 retained).
Molecular consequence: synonymous variant.
Genome position (GRCh38, 1-based): chr1:237,788,057, C>T. VCF-style: chr1-237788057-C-T. GRCh37 (hg19) VCF-style: chr1-237951357-C-T.
Other names: c.13398C>T, p.His4466= (LRG_402t1).
Identifiers: ClinVar variation 510278 (VCV000510278.20), dbSNP rs373913909, ClinGen allele CA085363.